The following is an entry in ClinVar:

NM_025099.6(CTC1):c.3157-3C>T

Gene: CTC1 (CST telomere replication complex component 1; minus strand). Cytogenetic location: 17p13.1.
Variant type: single nucleotide variant.
Coding change: c.3157-3C>T on transcript NM_025099.6 (MANE Select); 3 bases into the intron before coding-DNA position 3157, C replaced by T.
Molecular consequence: intron variant.
Genome position (GRCh38, 1-based): chr17:8,229,209, G>A on the plus strand (C>T on the coding strand, the complement: CTC1 is on the minus strand). VCF-style: chr17-8229209-G-A. GRCh37 (hg19) VCF-style: chr17-8132527-G-A.
Identifiers: ClinVar variation 1398729 (VCV001398729.5), dbSNP rs1010558106, ClinGen allele CA287530133.

ClinVar aggregate classification (germline): Uncertain significance (1 of 4 stars; one submission).

Conditions:
Dyskeratosis congenita. Identifiers: Orphanet 1775, MedGen C0265965, MONDO:0015780.

Allele frequency attached by ClinVar (database versions not stated): gnomAD 0.00001; gnomAD exomes 0.00001; TOPMed 0.00004.
gnomAD v4.1: 5 of 1,614,058 alleles (0.00031%); highest among the groups gnomAD compares: Admixed American, 0.0083%; no homozygotes.

Submission:

Labcorp Genetics (formerly Invitae), Labcorp
Classification: Uncertain significance for Dyskeratosis congenita. Last evaluated: 2023-12-28. Review status: criteria provided, single submitter. Criteria: Invitae Variant Classification Sherloc (09022015). Collection method: clinical testing. Allele origin: germline.
Comment: This sequence change falls in intron 19 of the CTC1 gene. It does not directly change the encoded amino acid sequence of the CTC1 protein. It affects a nucleotide within the consensus splice site. This variant is not present in population databases (gnomAD no frequency). This variant has not been reported in the literature in individuals affected with CTC1-related conditions. ClinVar contains an entry for this variant (Variation ID: 1398729). Variants that disrupt the consensus splice site are a relatively common cause of aberrant splicing (PMID: 17576681, 9536098). Algorithms developed to predict the effect of sequence changes on RNA splicing suggest that this variant is not likely to affect RNA splicing. In summary, the available evidence is currently insufficient to determine the role of this variant in disease. Therefore, it has been classified as a Variant of Uncertain Significance.

Literature cited by the submitters: PubMed 17576681; PubMed 9536098.